The following is an entry in ClinVar:

ClinVar aggregate classification (germline): Uncertain significance. Review status: criteria provided, multiple submitters, no conflicts (2 of 4 stars). 2 submissions from 2 submitters: Uncertain significance (2). Last evaluated 2025-03-17.

Conditions:
Spastic paraplegia. Identifiers: MedGen C0037772, HP:0001258.

Allele frequency attached by ClinVar (database versions not stated): gnomAD 0.00001; TOPMed 0.00001.

Submissions (2):

Labcorp Genetics (formerly Invitae), Labcorp
Classification: Uncertain significance for Spastic paraplegia. Last evaluated: 2025-03-17. Review status: criteria provided, single submitter. Criteria: Invitae Variant Classification Sherloc (09022015). Collection method: clinical testing. Allele origin: germline.
Comment: This sequence change replaces arginine, which is basic and polar, with threonine, which is neutral and polar, at codon 2037 of the ZFYVE26 protein (p.Arg2037Thr). This variant is present in population databases (no rsID available, gnomAD 0.007%). This variant has not been reported in the literature in individuals affected with ZFYVE26-related conditions. ClinVar contains an entry for this variant (Variation ID: 1904817). An algorithm developed to predict the effect of missense changes on protein structure and function (PolyPhen-2) suggests that this variant is likely to be disruptive. In summary, the available evidence is currently insufficient to determine the role of this variant in disease. Therefore, it has been classified as a Variant of Uncertain Significance.

GeneDx
Classification: Uncertain significance. Last evaluated: 2022-07-24. Review status: criteria provided, single submitter. Criteria: GeneDx Variant Classification Process June 2021. Collection method: clinical testing. Allele origin: germline. Affected: yes.
Comment: Not observed at significant frequency in large population cohorts (gnomAD); In silico analysis supports that this missense variant has a deleterious effect on protein structure/function; Has not been previously published as pathogenic or benign to our knowledge

NM_015346.4(ZFYVE26):c.6110G>C (p.Arg2037Thr)

Gene: ZFYVE26 (zinc finger FYVE-type containing 26; minus strand). Cytogenetic location: 14q24.1.
Variant type: single nucleotide variant.
Coding change: c.6110G>C on transcript NM_015346.4 (MANE Select); coding-DNA position 6110, G replaced by C.
Protein change: p.Arg2037Thr; replaces arginine 2037 with threonine.
Molecular consequence: missense variant.
Genome position (GRCh38, 1-based): chr14:67,762,721, C>G on the plus strand (G>C on the coding strand, the complement: ZFYVE26 is on the minus strand). VCF-style: chr14-67762721-C-G. GRCh37 (hg19) VCF-style: chr14-68229438-C-G.
Other names: c.6110G>C (NM_015346.3); short protein forms R2037T.
Identifiers: ClinVar variation 1904817 (VCV001904817.5), dbSNP rs1275522630, ClinGen allele CA390164862.